The following is an entry in ClinVar:

NM_000540.3(RYR1):c.7047C>A (p.Asn2349Lys)

Gene: RYR1 (ryanodine receptor 1; plus strand). Cytogenetic location: 19q13.2.
Variant type: single nucleotide variant.
Coding change: c.7047C>A on transcript NM_000540.3 (MANE Select); coding-DNA position 7047, C replaced by A.
Protein change: p.Asn2349Lys; replaces asparagine 2349 with lysine.
Molecular consequence: missense variant.
Genome position (GRCh38, 1-based): chr19:38,499,654, C>A. VCF-style: chr19-38499654-C-A. GRCh37 (hg19) VCF-style: chr19-38990294-C-A.
Other names: c.7047C>A, p.Asn2349Lys (NM_001042723.2); short protein forms N2349K.
Identifiers: ClinVar variation 4292235 (VCV004292235.1).

ClinVar aggregate classification (germline): Uncertain significance (1 of 4 stars; one submission).

Conditions:
King Denborough syndrome (KDS). Identifiers: MedGen C1840365, MONDO:0020485, OMIM 619542.

Submission:

3billion
Classification: Uncertain significance for King Denborough syndrome. Last evaluated: 2024-10-16. Review status: criteria provided, single submitter. Criteria: ACMG Guidelines, 2015. Collection method: clinical testing. Allele origin: germline. Affected: yes.
Comment: The variant is not observed in the gnomAD v4.1.0 dataset. Predicted Consequence/Location: The variant is located in a mutational hot spot and/or well-established functional domain in which established pathogenic variants have been reported (PMID: 33767344). In silico tool predictions suggest damaging effect of the variant on gene or gene product [REVEL: 0.70 (>=0.6, sensitivity 0.68 and specificity 0.92); 3Cnet: 0.08 (>=0.6, sensitivity 0.72 and precision 0.9)]. The variant has been reported as of uncertain significance (ClinVar ID: VCV001360064). Therefore, this variant is classified as VUS according to the recommendation of ACMG/AMP guideline.